The following is an entry in ClinVar:

NM_000286.3(PEX12):c.987_988del (p.Phe330fs)

Gene: PEX12 (peroxisomal biogenesis factor 12; minus strand). Cytogenetic location: 17q12.
Variant type: Microsatellite.
Coding change: c.987_988del on transcript NM_000286.3 (MANE Select); coding-DNA positions 987 to 988, 2 bases deleted (GT; older notation c.987_988delGT).
Protein change: p.Phe330fs; shifts the reading frame from phenylalanine 330.
Molecular consequence: frameshift variant.
Genome position (GRCh38, 1-based): chr17:35,575,874-35,575,875, AC deleted on the plus strand (GT on the coding strand, the reverse complement: PEX12 is on the minus strand); deleting any 2 consecutive bases within chr17:35,575,874-35,575,880 gives the same sequence; the c. name uses the placement nearest the transcript's 3' end. VCF-style (leftmost placement, unchanged base first): chr17-35575873-AAC-A. GRCh37 (hg19) VCF-style: chr17-33902892-AAC-A.
Other names: c.987_988del (NM_000286.2); short protein forms F330fs.
Identifiers: ClinVar variation 557980 (VCV000557980.17), dbSNP rs764657253, ClinGen allele CA8504808.

ClinVar aggregate classification (germline): Conflicting classifications of pathogenicity. Review status: criteria provided, conflicting classifications (1 of 4 stars). 6 submissions from 6 submitters: Pathogenic (1); Likely pathogenic (3); Uncertain significance (1). 1 of the submissions does not count toward it. Last evaluated 2025-09-16.

Conditions:
Peroxisome biogenesis disorder. Identifiers: Orphanet 79189, MedGen C1832200, MONDO:0019234. Disease mechanism: loss of function.
Peroxisome biogenesis disorder type 3B. Identifiers: Orphanet 44, Orphanet 772, MedGen C3550693, MONDO:0009959, OMIM 266510.
Peroxisome biogenesis disorder 3A (Zellweger). Also called: PEROXISOMAL BIOGENESIS DISORDER 3A (ZELLWEGER); Peroxisome biogenesis disorder 3A. Identifiers: Orphanet 912, MedGen C3553929, MONDO:0013927, OMIM 614859.

Submissions (6):

Labcorp Genetics (formerly Invitae), Labcorp
Classification: Pathogenic for Peroxisome biogenesis disorder 3A (Zellweger). Last evaluated: 2025-09-16. Review status: criteria provided, single submitter. Criteria: Invitae Variant Classification Sherloc (09022015). Collection method: clinical testing. Allele origin: germline.
Comment: This sequence change creates a premature translational stop signal (p.Phe330Serfs*23) in the PEX12 gene. While this is not anticipated to result in nonsense mediated decay, it is expected to disrupt the last 30 amino acid(s) of the PEX12 protein. This variant is present in population databases (rs764657253, gnomAD 0.008%). This variant has not been reported in the literature in individuals affected with PEX12-related conditions. ClinVar contains an entry for this variant (Variation ID: 557980). This variant disrupts a region of the PEX12 protein in which other variant(s) (p.Gln337*) have been determined to be pathogenic (internal data). This suggests that this is a clinically significant region of the protein, and that variants that disrupt it are likely to be disease-causing. For these reasons, this variant has been classified as Pathogenic.

Dasa
Classification: Uncertain significance. Last evaluated: 2025-07-07. Review status: criteria provided, single submitter. Criteria: DASA Assertion Criteria. Collection method: clinical testing. Allele origin: germline.
Comment: NM_000286.3(PEX12):c.987_988del (p.Phe330Serfs*23) is a frameshift variant in PEX12 predicted to alter the reading frame and introduce a premature termination codon and is predicted to result in an absent or altered protein product. This variant is rare in population databases. The currently available literature and clinical evidence are not sufficient to establish a definitive association between this variant and the reported condition. Therefore, this variant is classified as a variant of uncertain significance.

Baylor Genetics
Classification: Likely pathogenic for Peroxisome biogenesis disorder 3A (Zellweger). Last evaluated: 2024-01-23. Review status: criteria provided, single submitter. Criteria: ACMG Guidelines, 2015. Collection method: clinical testing. Allele origin: unknown.

Women's Health and Genetics/Laboratory Corporation of America, LabCorp
Classification: Likely pathogenic for Peroxisome biogenesis disorder. Last evaluated: 2023-03-30. Review status: criteria provided, single submitter. Criteria: LabCorp Variant Classification Summary - May 2015. Collection method: clinical testing. Allele origin: germline.
Comment: Variant summary: PEX12 c.987_988delGT (p.Phe330SerfsX23) results in a premature termination codon, predicted to cause a truncation of the encoded protein, which is a commonly known mechanism for disease. Variants downstream of this position have been cited as pathogenic and disease-associated in ClinVar and HGMD and have been reported in affected individuals (PMIDs: 15542397, 33123925). The variant allele was found at a frequency of 1.6e-05 in 251482 control chromosomes (gnomAD). To our knowledge, no occurrence of c.987_988delGT in individuals affected with Zellweger Syndrome and no experimental evidence demonstrating its impact on protein function have been reported. Two clinical diagnostic laboratories have submitted clinical-significance assessments for this variant to ClinVar after 2014 and classified the variant as pathogenic and as uncertain significance. Based on the evidence outlined above, the variant was classified as likely pathogenic.

Juno Genomics, Hangzhou Juno Genomics, Inc
Classification: Likely pathogenic for Peroxisome biogenesis disorder 3A (Zellweger); Peroxisome biogenesis disorder type 3B. Review status: criteria provided, single submitter. Criteria: ACMG Guidelines, 2015. Collection method: clinical testing. Allele origin: germline.
Comment: Null variant in a gene where loss of function (LOF) is a known mechanism of disease.;Absent from controls (or at extremely low frequency if recessive) in Genome Aggregation Database.

Counsyl
Classification: Uncertain significance for Peroxisome biogenesis disorder type 3B; Peroxisome biogenesis disorder 3A (Zellweger). Last evaluated: 2018-04-19. Review status: no assertion criteria provided. Collection method: clinical testing. Allele origin: unknown. Not counted in ClinVar's aggregate classification.